The following is an entry in ClinVar:

ClinVar aggregate classification (germline): Uncertain significance. Review status: criteria provided, multiple submitters, no conflicts (2 of 4 stars). 2 submissions from 2 submitters: Uncertain significance (2). Last evaluated 2025-08-29.

Conditions:
Inborn genetic diseases. Identifiers: MedGen C0950123, MeSH D030342.
Charcot-Marie-Tooth disease type 4. Also called: Charcot-Marie-Tooth, Type 4; Charcot-Marie-Tooth disease, type IV. Identifiers: Orphanet 64749, MedGen C4082197, MONDO:0018995.

Allele frequency attached by ClinVar (database versions not stated): gnomAD 0.00002; TOPMed 0.00002; ESP Exome Variant Server 0.00008.
gnomAD v4.1: 27 of 1,612,576 alleles (0.0017%); highest among the groups gnomAD compares: African/African-American, 0.0053%; no homozygotes.

Submissions (2):

Labcorp Genetics (formerly Invitae), Labcorp
Classification: Uncertain significance for Charcot-Marie-Tooth disease type 4. Last evaluated: 2025-08-29. Review status: criteria provided, single submitter. Criteria: Invitae Variant Classification Sherloc (09022015). Collection method: clinical testing. Allele origin: germline.
Comment: This sequence change replaces isoleucine, which is neutral and non-polar, with threonine, which is neutral and polar, at codon 377 of the SBF2 protein (p.Ile377Thr). This variant is present in population databases (rs371432409, gnomAD 0.007%). This variant has not been reported in the literature in individuals affected with SBF2-related conditions. ClinVar contains an entry for this variant (Variation ID: 655929). Invitae Evidence Modeling of protein sequence and biophysical properties (such as structural, functional, and spatial information, amino acid conservation, physicochemical variation, residue mobility, and thermodynamic stability) indicates that this missense variant is not expected to disrupt SBF2 protein function with a negative predictive value of 80%. In summary, the available evidence is currently insufficient to determine the role of this variant in disease. Therefore, it has been classified as a Variant of Uncertain Significance.

Ambry Genetics
Classification: Uncertain significance for Inborn genetic diseases. Last evaluated: 2020-01-17. Review status: criteria provided, single submitter. Criteria: Ambry Variant Classification Scheme 2023. Collection method: clinical testing. Allele origin: germline.
Comment: The p.I377T variant (also known as c.1130T>C), located in coding exon 11 of the SBF2 gene, results from a T to C substitution at nucleotide position 1130. The isoleucine at codon 377 is replaced by threonine, an amino acid with similar properties. This amino acid position is highly conserved in available vertebrate species. In addition, the in silico prediction for this alteration is inconclusive. Since supporting evidence is limited at this time, the clinical significance of this alteration remains unclear.

NM_030962.4(SBF2):c.1130T>C (p.Ile377Thr)

Gene: SBF2 (SET binding factor 2; minus strand). Cytogenetic location: 11p15.4.
Variant type: single nucleotide variant.
Coding change: c.1130T>C on transcript NM_030962.4 (MANE Select); coding-DNA position 1130, T replaced by C.
Protein change: p.Ile377Thr; replaces isoleucine 377 with threonine.
Molecular consequence: missense variant.
Genome position (GRCh38, 1-based): chr11:9,993,027, A>G on the plus strand (T>C on the coding strand, the complement: SBF2 is on the minus strand). VCF-style: chr11-9993027-A-G. GRCh37 (hg19) VCF-style: chr11-10014574-A-G.
Other names: c.1130T>C, p.Ile377Thr (NM_001386339.1, NM_001386342.1); short protein forms I377T.
Identifiers: ClinVar variation 655929 (VCV000655929.8), dbSNP rs371432409, ClinGen allele CA5881908.